The following is an entry in ClinVar:

ClinVar aggregate classification (germline): Uncertain significance. Review status: criteria provided, multiple submitters, no conflicts (2 of 4 stars). 3 submissions from 3 submitters: Uncertain significance (3). Last evaluated 2025-12-03.

Conditions:
Hereditary cancer-predisposing syndrome. Also called: Hereditary neoplastic syndrome; Neoplastic Syndromes, Hereditary; Tumor predisposition; Hereditary Cancer Syndrome. Identifiers: Orphanet 140162, MedGen C0027672, MeSH D009386, MONDO:0015356.
Familial cancer of breast. Also called: Hereditary breast cancer; hereditary breast carcinoma; BREAST CANCER, FAMILIAL. Identifiers: Orphanet 227535, MedGen C0346153, MONDO:0016419, OMIM 114480. Disease mechanism: loss of function.

Submissions (3):

Ambry Genetics
Classification: Uncertain significance for Hereditary cancer-predisposing syndrome. Last evaluated: 2025-12-03. Review status: criteria provided, single submitter. Criteria: Ambry Variant Classification Scheme 2023. Collection method: clinical testing. Allele origin: germline.
Comment: The p.F328L variant (also known as c.982T>C), located in coding exon 8 of the CHEK2 gene, results from a T to C substitution at nucleotide position 982. The phenylalanine at codon 328 is replaced by leucine, an amino acid with highly similar properties. This variant was reported as functional in a study assessing CHEK2-complementation through quantification of KAP1 phosphorylation and CHK2 autophosphorylation in human RPE1-CHEK2-knockout cells (Stolarova L et al. Clin Cancer Res, 2023 Aug;29:3037-3050). This amino acid position is highly conserved in available vertebrate species. In addition, this alteration is predicted to be deleterious by in silico analysis. Based on the available evidence, the clinical significance of this variant remains unclear.

Baylor Genetics
Classification: Uncertain significance for Familial cancer of breast. Last evaluated: 2024-01-28. Review status: criteria provided, single submitter. Criteria: ACMG Guidelines, 2015. Collection method: clinical testing. Allele origin: unknown.

Labcorp Genetics (formerly Invitae), Labcorp
Classification: Uncertain significance for Familial cancer of breast. Last evaluated: 2022-12-08. Review status: criteria provided, single submitter. Criteria: Invitae Variant Classification Sherloc (09022015). Collection method: clinical testing. Allele origin: germline.
Comment: This variant is not present in population databases (gnomAD no frequency). This sequence change replaces phenylalanine, which is neutral and non-polar, with leucine, which is neutral and non-polar, at codon 328 of the CHEK2 protein (p.Phe328Leu). This variant has not been reported in the literature in individuals affected with CHEK2-related conditions. In summary, the available evidence is currently insufficient to determine the role of this variant in disease. Therefore, it has been classified as a Variant of Uncertain Significance. Algorithms developed to predict the effect of missense changes on protein structure and function are either unavailable or do not agree on the potential impact of this missense change (SIFT: "Deleterious"; PolyPhen-2: "Probably Damaging"; Align-GVGD: "Class C0"). ClinVar contains an entry for this variant (Variation ID: 1006118).

Literature cited by the submitters: PubMed 37449874 (cited by Ambry Genetics).

NM_007194.4(CHEK2):c.982T>C (p.Phe328Leu)

Gene: CHEK2 (checkpoint kinase 2; minus strand). Cytogenetic location: 22q12.1.
Variant type: single nucleotide variant.
Coding change: c.982T>C on transcript NM_007194.4 (MANE Select); coding-DNA position 982, T replaced by C.
Protein change: p.Phe328Leu; replaces phenylalanine 328 with leucine.
Molecular consequence: missense variant.
Genome position (GRCh38, 1-based): chr22:28,699,864, A>G on the plus strand (T>C on the coding strand, the complement: CHEK2 is on the minus strand). VCF-style: chr22-28699864-A-G. GRCh37 (hg19) VCF-style: chr22-29095852-A-G.
Other names: c.982T>C (NM_007194.3); c.1111T>C, p.Phe371Leu (NM_001005735.3); c.319T>C, p.Phe107Leu (NM_001257387.3); c.781T>C, p.Phe261Leu (NM_001349956.3); c.982T>C, p.Phe328Leu (NM_145862.3); short protein forms F261L, F328L, F371L, F107L.
Identifiers: ClinVar variation 1006118 (VCV001006118.12), dbSNP rs2052760168, ClinGen allele CA411099563.